The following is an entry in ClinVar:

NM_001620.3(AHNAK):c.5358G>A (p.Val1786=)

Gene: AHNAK (AHNAK nucleoprotein; minus strand). Cytogenetic location: 11q12.3.
Variant type: single nucleotide variant.
Coding change: c.5358G>A on transcript NM_001620.3 (MANE Select); coding-DNA position 5358, G replaced by A.
Protein change: p.Val1786=; no amino-acid change (valine 1786 retained).
Molecular consequence: synonymous variant. On other transcripts: intron variant (1).
Genome position (GRCh38, 1-based): chr11:62,529,059, C>T on the plus strand (G>A on the coding strand, the complement: AHNAK is on the minus strand). VCF-style: chr11-62529059-C-T. GRCh37 (hg19) VCF-style: chr11-62296531-C-T.
Other names: c.5358G>A, p.Val1786= (NM_001346445.2, NM_001346446.2); c.342+5944G>A (NM_024060.4).
Identifiers: ClinVar variation 2641876 (VCV002641876.24), dbSNP rs1254462298, ClinGen allele CA475123523.

ClinVar aggregate classification (germline): Likely benign (1 of 4 stars; one submission).

Allele frequency attached by ClinVar (database versions not stated): TOPMed below 0.00001; gnomAD 0.00001; gnomAD exomes 0.00001.
gnomAD v4.1: 13 of 1,614,068 alleles (0.00081%); highest among the groups gnomAD compares: Non-Finnish European, 0.0011%; no homozygotes.

Submission:

CeGaT Center for Human Genetics Tuebingen
Classification: Likely benign. Last evaluated: 2022-03-01. Review status: criteria provided, single submitter. Criteria: CeGaT Center For Human Genetics Tuebingen Variant Classification Criteria Version 2. Collection method: clinical testing. Allele origin: germline. Affected: yes. Observed: 1 variant allele.
Comment: AHNAK: BP4, BP7